The following is an entry in ClinVar:

NM_006258.4(PRKG1):c.1570A>G (p.Ile524Val)

Gene: PRKG1 (protein kinase cGMP-dependent 1; plus strand). Cytogenetic location: 10q21.1.
Variant type: single nucleotide variant.
Coding change: c.1570A>G on transcript NM_006258.4 (MANE Select); coding-DNA position 1570, A replaced by G.
Protein change: p.Ile524Val; replaces isoleucine 524 with valine.
Molecular consequence: missense variant.
Genome position (GRCh38, 1-based): chr10:52,282,177, A>G. VCF-style: chr10-52282177-A-G. GRCh37 (hg19) VCF-style: chr10-54041937-A-G.
Other names: c.1525A>G, p.Ile509Val (NM_001098512.3); c.361A>G, p.Ile121Val (NM_001374781.1); short protein forms I121V, I524V, I509V.
Identifiers: ClinVar variation 5027360 (VCV005027360.1).

ClinVar aggregate classification (germline): Uncertain significance (1 of 4 stars; one submission).

Conditions:
Familial thoracic aortic aneurysm and aortic dissection (TAAD). Also called: Thoracic aortic aneurysms and dissections. Identifiers: Orphanet 91387, MedGen C4707243, MONDO:0019625.

gnomAD v4.1: 1 of 1,604,446 alleles (0.000062%); highest among the groups gnomAD compares: Non-Finnish European, 0.000085%; no homozygotes.

Submission:

Ambry Genetics
Classification: Uncertain significance for Familial thoracic aortic aneurysm and aortic dissection. Last evaluated: 2026-08-10. Review status: criteria provided, single submitter. Criteria: Ambry Variant Classification Scheme 2023. Collection method: clinical testing. Allele origin: germline.
Comment: The p.I524V variant (also known as c.1570A>G), located in coding exon 14 of the PRKG1 gene, results from an A to G substitution at nucleotide position 1570. The isoleucine at codon 524 is replaced by valine, an amino acid with highly similar properties. This amino acid position is conserved. In addition, this alteration is predicted to be tolerated by in silico analysis. Based on the available evidence, the clinical significance of this variant remains unclear.